The following is an entry in ClinVar:

NM_020207.7(ERCC6L2):c.-9C>G

Gene: ERCC6L2 (ERCC excision repair 6 like 2; plus strand). Cytogenetic location: 9q22.32.
Variant type: single nucleotide variant.
Coding change: c.-9C>G on transcript NM_020207.7 (MANE Select); 9 bases upstream of the start codon, C replaced by G.
Molecular consequence: 5 prime UTR variant. On other transcripts: non-coding transcript variant (1).
Genome position (GRCh38, 1-based): chr9:95,876,030, C>G. VCF-style: chr9-95876030-C-G. GRCh37 (hg19) VCF-style: chr9-98638312-C-G.
Other names: c.-9C>G (NM_001010895.4, NM_001375291.1, NM_001375292.1 and 2 more transcripts).
Identifiers: ClinVar variation 1981043 (VCV001981043.2), dbSNP rs371970239, ClinGen allele CA196546340.

ClinVar aggregate classification (germline): Uncertain significance (1 of 4 stars; one submission).

gnomAD v4.1: 7 of 1,588,226 alleles (0.00044%); highest among the groups gnomAD compares: Non-Finnish European, 0.0006%; no homozygotes.

Submission:

Labcorp Genetics (formerly Invitae), Labcorp
Classification: Uncertain significance. Last evaluated: 2022-03-16. Review status: criteria provided, single submitter. Criteria: Invitae Variant Classification Sherloc (09022015). Collection method: clinical testing. Allele origin: germline.
Comment: In summary, the available evidence is currently insufficient to determine the role of this variant in disease. Therefore, it has been classified as a Variant of Uncertain Significance. Algorithms developed to predict the effect of missense changes on protein structure and function are either unavailable or do not agree on the potential impact of this missense change (SIFT: "Tolerated"; PolyPhen-2: "Not Available"; Align-GVGD: "Class C0"). This variant has not been reported in the literature in individuals affected with ERCC6L2-related conditions. This variant is not present in population databases (gnomAD no frequency). This sequence change replaces proline, which is neutral and non-polar, with alanine, which is neutral and non-polar, at codon 9 of the ERCC6L2 protein (p.Pro9Ala).